The following is an entry in ClinVar:

ClinVar aggregate classification (germline): Uncertain significance. Review status: criteria provided, multiple submitters, no conflicts (2 of 4 stars). 7 submissions from 7 submitters: Uncertain significance (6). 1 of the submissions does not count toward it. Last evaluated 2024-12-31.

Conditions:
Hereditary nonpolyposis colorectal neoplasms. Identifiers: MedGen C0009405, MeSH D003123.
Hereditary cancer-predisposing syndrome. Also called: Hereditary neoplastic syndrome; Tumor predisposition; Hereditary Cancer Syndrome; Neoplastic Syndromes, Hereditary. Identifiers: Orphanet 140162, MedGen C0027672, MeSH D009386, MONDO:0015356.
Lynch syndrome. Identifiers: Orphanet 144, MedGen C4552100, MONDO:0005835. Disease mechanism: loss of function.
Lynch syndrome 4 (LYNCH4). Also called: Colorectal cancer, hereditary nonpolyposis, type 4; Hereditary non-polyposis colorectal cancer, type 4. Identifiers: Orphanet 144, MedGen C1838333, MONDO:0013699, OMIM 614337. Disease mechanism: loss of function.

Submissions (7):

Ambry Genetics
Classification: Uncertain significance for Hereditary cancer-predisposing syndrome. Last evaluated: 2024-12-31. Review status: criteria provided, single submitter. Criteria: Ambry Variant Classification Scheme 2023. Collection method: clinical testing. Allele origin: germline.
Comment: The p.F80L variant (also known as c.240C>A), located in coding exon 3 of the PMS2 gene, results from a C to A substitution at nucleotide position 240. The phenylalanine at codon 80 is replaced by leucine, an amino acid with highly similar properties. This amino acid position is highly conserved in available vertebrate species. In addition, this alteration is predicted to be deleterious by in silico analysis. Based on the available evidence, the clinical significance of this variant remains unclear.

Labcorp Genetics (formerly Invitae), Labcorp
Classification: Uncertain significance for Hereditary nonpolyposis colorectal neoplasms. Last evaluated: 2024-10-07. Review status: criteria provided, single submitter. Criteria: Invitae Variant Classification Sherloc (09022015). Collection method: clinical testing. Allele origin: germline.
Comment: This sequence change replaces phenylalanine, which is neutral and non-polar, with leucine, which is neutral and non-polar, at codon 80 of the PMS2 protein (p.Phe80Leu). This variant is not present in population databases (gnomAD no frequency). This variant has not been reported in the literature in individuals affected with PMS2-related conditions. ClinVar contains an entry for this variant (Variation ID: 492275). Invitae Evidence Modeling incorporating data from in vitro experimental studies (internal data) indicates that this missense variant is not expected to disrupt PMS2 function with a negative predictive value of 95%. In summary, the available evidence is currently insufficient to determine the role of this variant in disease. Therefore, it has been classified as a Variant of Uncertain Significance.

All of Us Research Program, National Institutes of Health
Classification: Uncertain significance for Lynch syndrome. Last evaluated: 2024-01-11. Review status: criteria provided, single submitter. Criteria: ACMG Guidelines, 2015. Collection method: clinical testing. Allele origin: germline. Inheritance: Autosomal dominant inheritance. Observed: 1 variant allele, 1 heterozygote.
Comment: This study involves interpretation of variants in research participants for the purpose of population health screening. Participant phenotype was not available at the time of variant classification. Additional details can be found in publication PMID: 35346344, PMCID: PMC8962531

Color Diagnostics, LLC DBA Color Health
Classification: Uncertain significance for Hereditary cancer-predisposing syndrome. Last evaluated: 2023-12-05. Review status: criteria provided, single submitter. Criteria: ACMG Guidelines, 2015. Collection method: clinical testing. Allele origin: germline.
Comment: This missense variant replaces phenylalanine with leucine at codon 80 of the PMS2 protein. Computational prediction is inconclusive regarding the impact of this variant on protein structure and function (internally defined REVEL score threshold 0.5 < inconclusive < 0.7, PMID: 27666373). To our knowledge, functional studies have not been reported for this variant. This variant has not been reported in individuals affected with PMS2-related disorders in the literature. This variant has not been identified in the general population by the Genome Aggregation Database (gnomAD). The available evidence is insufficient to determine the role of this variant in disease conclusively. Therefore, this variant is classified as a Variant of Uncertain Significance.

GeneDx
Classification: Uncertain significance. Last evaluated: 2023-10-02. Review status: criteria provided, single submitter. Criteria: GeneDx Variant Classification Process June 2021. Collection method: clinical testing. Allele origin: germline. Affected: yes.
Comment: Not observed at significant frequency in large population cohorts (gnomAD); In silico analysis supports that this missense variant has a deleterious effect on protein structure/function; Has not been previously published as pathogenic or benign to our knowledge; This variant is associated with the following publications: (PMID: 11574484)

Myriad Genetics, Inc.
Classification: Uncertain significance for Lynch syndrome 4. Last evaluated: 2023-04-03. Review status: criteria provided, single submitter. Criteria: Myriad Autosomal Dominant, Autosomal Recessive and X-Linked Classification Criteria (2023). Collection method: clinical testing. Allele origin: unknown.
Comment: This variant is classified as a variant of uncertain significance as there is insufficient evidence to determine its impact on protein function and/or cancer risk.

Counsyl
Classification: Uncertain significance for Lynch syndrome 4. Last evaluated: 2018-06-04. Review status: no assertion criteria provided. Collection method: clinical testing. Allele origin: unknown. Not counted in ClinVar's aggregate classification.

NM_000535.7(PMS2):c.240C>A (p.Phe80Leu)

Gene: PMS2 (PMS1 homolog 2, mismatch repair system component; minus strand). Cytogenetic location: 7p22.1.
Variant type: single nucleotide variant.
Coding change: c.240C>A on transcript NM_000535.7 (MANE Select); coding-DNA position 240, C replaced by A.
Protein change: p.Phe80Leu; replaces phenylalanine 80 with leucine.
Molecular consequence: missense variant. On other transcripts: 5 prime UTR variant (9), synonymous variant (2), non-coding transcript variant (1).
Genome position (GRCh38, 1-based): chr7:6,003,982, G>T on the plus strand (C>A on the coding strand, the complement: PMS2 is on the minus strand). VCF-style: chr7-6003982-G-T. GRCh37 (hg19) VCF-style: chr7-6043613-G-T.
Other names: c.-166C>A (NM_001322003.2, NM_001322004.2, NM_001322005.2 and 3 more transcripts); c.240C>A, p.Phe80Leu (NM_001322006.2, NM_001322014.2); c.25C>A, p.Arg9= (NM_001322007.2, NM_001322008.2); c.-645C>A (NM_001322011.2, NM_001322012.2); c.-245C>A (NM_001322015.2); short protein forms F80L.
Identifiers: ClinVar variation 492275 (VCV000492275.20), dbSNP rs143162541, ClinGen allele CA366744767.
Genomic context (GRCh38, chr7:6,003,982, plus strand): 5'-AGACATGTGACCCAATTATTTTATAATAGGATTAGAAAAAGTCAACTTACTTAAGCCTTC[G>T]AAGTTTTCTTCTTCTACCCCACATCCATTGTCTGAAACTTCAATAAGATCCACTCCATAG-3'
Protein context (NP_000526.2, residues 70-90): DNGCGVEEEN[Phe80Leu]EGLTLKHHTS